The following is an entry in ClinVar:

ClinVar aggregate classification (germline): Likely benign (1 of 4 stars; one submission).

Conditions:
TTC8-related disorder. Also called: TTC8-related condition.

gnomAD v4.1: 4 of 1,613,678 alleles (0.00025%); highest among the groups gnomAD compares: Middle Eastern, 0.016%; no homozygotes.

Submission:

PreventionGenetics, part of Exact Sciences
Classification: Likely benign for TTC8-related condition. Last evaluated: 2025-12-01. Review status: criteria provided, single submitter. Criteria: ACMG Guidelines, 2015. Collection method: clinical testing. Allele origin: germline.
Comment: This variant is classified as likely benign based on ACMG/AMP sequence variant interpretation guidelines (Richards et al. 2015 PMID: 25741868, with internal and published modifications).

NM_144596.4(TTC8):c.549A>G (p.Thr183=)

Gene: TTC8 (tetratricopeptide repeat domain 8; plus strand). Cytogenetic location: 14q31.3.
Variant type: single nucleotide variant.
Coding change: c.549A>G on transcript NM_144596.4 (MANE Select); coding-DNA position 549, A replaced by G.
Protein change: p.Thr183=; no amino-acid change (threonine 183 retained).
Molecular consequence: synonymous variant. On other transcripts: 5 prime UTR variant (1), non-coding transcript variant (1), intron variant (3).
Genome position (GRCh38, 1-based): chr14:88,841,484, A>G. VCF-style: chr14-88841484-A-G. GRCh37 (hg19) VCF-style: chr14-89307828-A-G.
Other names: c.519A>G, p.Thr173= (NM_001288781.1, NM_001366535.2, NM_198309.3); c.-44A>G (NM_001288782.1); c.-199+288A>G (NM_001288783.1); c.459+288A>G (NM_198310.3, NM_001366536.2).
Identifiers: ClinVar variation 4997475 (VCV004997475.1).